The following is an entry in ClinVar:

ClinVar aggregate classification (germline): Uncertain significance (1 of 4 stars; one submission).

Conditions:
Myopathy, tubular aggregate, 2 (TAM2). Identifiers: MedGen C4014557, MONDO:0014383, OMIM 615883.
Combined immunodeficiency due to ORAI1 deficiency. Also called: IMMUNODEFICIENCY 9. Identifiers: Orphanet 169090, Orphanet 317428, MedGen C2748568, MONDO:0013007, OMIM 612782.

Submission:

Labcorp Genetics (formerly Invitae), Labcorp
Classification: Uncertain significance for Myopathy, tubular aggregate, 2; Combined immunodeficiency due to ORAI1 deficiency. Last evaluated: 2024-11-22. Review status: criteria provided, single submitter. Criteria: Invitae Variant Classification Sherloc (09022015). Collection method: clinical testing. Allele origin: germline.
Comment: This sequence change replaces valine, which is neutral and non-polar, with isoleucine, which is neutral and non-polar, at codon 262 of the ORAI1 protein (p.Val262Ile). This variant is present in population databases (rs782689571, gnomAD 0.002%). This variant has not been reported in the literature in individuals affected with ORAI1-related conditions. Experimental studies and prediction algorithms are not available or were not evaluated, and the functional significance of this variant is currently unknown. In summary, the available evidence is currently insufficient to determine the role of this variant in disease. Therefore, it has been classified as a Variant of Uncertain Significance.

NC_000012.12:g.121641521G>A

Gene: ORAI1 (ORAI calcium release-activated calcium modulator 1; plus strand). Cytogenetic location: 12q24.31.
Variant type: single nucleotide variant.
Molecular consequence: non-coding transcript variant (on NR_186857.1).
Genome position: GRCh38 VCF-style: chr12-121641521-G-A. GRCh37 (hg19) VCF-style: chr12-122079427-G-A.
Identifiers: ClinVar variation 3759778 (VCV003759778.2).